The following is an entry in ClinVar:

ClinVar aggregate classification (germline): Uncertain significance (1 of 4 stars; one submission).

Conditions:
ALG1-congenital disorder of glycosylation. Also called: CONGENITAL DISORDER OF GLYCOSYLATION, TYPE Ik; CDG Ik; ALG1-CDG. Identifiers: Orphanet 79327, MedGen C2931005, MONDO:0012052, OMIM 608540.

Allele frequency attached by ClinVar (database versions not stated): gnomAD exomes below 0.00001; ExAC 0.00001; gnomAD 0.00001; TOPMed 0.00001.

Submission:

Labcorp Genetics (formerly Invitae), Labcorp
Classification: Uncertain significance for ALG1-congenital disorder of glycosylation. Last evaluated: 2021-03-31. Review status: criteria provided, single submitter. Criteria: Invitae Variant Classification Sherloc (09022015). Collection method: clinical testing. Allele origin: germline.
Comment: In summary, the available evidence is currently insufficient to determine the role of this variant in disease. Therefore, it has been classified as a Variant of Uncertain Significance. Algorithms developed to predict the effect of sequence changes on RNA splicing suggest that this variant may create or strengthen a splice site, but this prediction has not been confirmed by published transcriptional studies. Advanced modeling of protein sequence and biophysical properties (such as structural, functional, and spatial information, amino acid conservation, physicochemical variation, residue mobility, and thermodynamic stability) performed at Invitae indicates that this missense variant is not expected to disrupt ALG1 protein function. This variant has not been reported in the literature in individuals with ALG1-related conditions. This variant is present in population databases (rs780593921, ExAC 0.01%). This sequence change replaces asparagine with serine at codon 197 of the ALG1 protein (p.Asn197Ser). The asparagine residue is moderately conserved and there is a small physicochemical difference between asparagine and serine.

NM_019109.5(ALG1):c.590A>G (p.Asn197Ser)

Gene: ALG1 (ALG1 chitobiosyldiphosphodolichol beta-mannosyltransferase; plus strand). Cytogenetic location: 16p13.3.
Variant type: single nucleotide variant.
Coding change: c.590A>G on transcript NM_019109.5 (MANE Select); coding-DNA position 590, A replaced by G.
Protein change: p.Asn197Ser; replaces asparagine 197 with serine.
Molecular consequence: missense variant.
Genome position (GRCh38, 1-based): chr16:5,077,495, A>G. VCF-style: chr16-5077495-A-G. GRCh37 (hg19) VCF-style: chr16-5127496-A-G.
Other names: c.257A>G, p.Asn86Ser (NM_001330504.2); short protein forms N197S, N86S.
Identifiers: ClinVar variation 1501294 (VCV001501294.8), dbSNP rs780593921, ClinGen allele CA7889902.